The following is an entry in ClinVar:

NM_014822.4(SEC24D):c.3034G>A (p.Gly1012Arg)

Gene: SEC24D (SEC24 homolog D, COPII component; minus strand). Cytogenetic location: 4q26.
Variant type: single nucleotide variant.
Coding change: c.3034G>A on transcript NM_014822.4 (MANE Select); coding-DNA position 3034, G replaced by A.
Protein change: p.Gly1012Arg; replaces glycine 1012 with arginine.
Molecular consequence: missense variant.
Genome position (GRCh38, 1-based): chr4:118,723,580, C>T on the plus strand (G>A on the coding strand, the complement: SEC24D is on the minus strand). VCF-style: chr4-118723580-C-T. GRCh37 (hg19) VCF-style: chr4-119644735-C-T.
Other names: c.3037G>A, p.Gly1013Arg (NM_001318066.2); c.3034G>A (NM_014822.2); short protein forms G1013R, G1012R.
Identifiers: ClinVar variation 1444765 (VCV001444765.5), dbSNP rs753623656, ClinGen allele CA3056792.

ClinVar aggregate classification (germline): Uncertain significance. Review status: criteria provided, multiple submitters, no conflicts (2 of 4 stars). 3 submissions from 3 submitters: Uncertain significance (3). Last evaluated 2025-09-25.

Conditions:
Inborn genetic diseases. Identifiers: MedGen C0950123, MeSH D030342.

Allele frequency attached by ClinVar (database versions not stated): gnomAD 0.00002; gnomAD exomes 0.00006 and 0.00002; TOPMed 0.00002; ExAC 0.00003.
gnomAD v4.1: 86 of 1,613,768 alleles (0.0053%); highest among the groups gnomAD compares: Middle Eastern, 0.082%; no homozygotes.

Submissions (3):

Ambry Genetics
Classification: Uncertain significance for Inborn genetic diseases. Last evaluated: 2025-09-25. Review status: criteria provided, single submitter. Criteria: Ambry Variant Classification Scheme 2023. Collection method: clinical testing. Allele origin: germline.

Labcorp Genetics (formerly Invitae), Labcorp
Classification: Uncertain significance. Last evaluated: 2022-08-19. Review status: criteria provided, single submitter. Criteria: Invitae Variant Classification Sherloc (09022015). Collection method: clinical testing. Allele origin: germline.
Comment: This sequence change replaces glycine, which is neutral and non-polar, with arginine, which is basic and polar, at codon 1012 of the SEC24D protein (p.Gly1012Arg). This variant is present in population databases (rs753623656, gnomAD 0.01%). This variant has not been reported in the literature in individuals affected with SEC24D-related conditions. ClinVar contains an entry for this variant (Variation ID: 1444765). Algorithms developed to predict the effect of missense changes on protein structure and function are either unavailable or do not agree on the potential impact of this missense change (SIFT: "Not Available"; PolyPhen-2: "Probably Damaging"; Align-GVGD: "Not Available"). In summary, the available evidence is currently insufficient to determine the role of this variant in disease. Therefore, it has been classified as a Variant of Uncertain Significance.

Breakthrough Genomics
Classification: Uncertain significance. Review status: criteria provided, single submitter. Criteria: ACMG Guidelines, 2015. Collection method: not provided. Allele origin: germline. Inheritance: Autosomal recessive inheritance. Affected: yes.